The following is an entry in ClinVar:

NM_004055.5(CAPN5):c.157C>T (p.Arg53Ter)

Gene: CAPN5 (calpain 5; plus strand). Cytogenetic location: 11q13.5.
Variant type: single nucleotide variant.
Coding change: c.157C>T on transcript NM_004055.5 (MANE Select); coding-DNA position 157, C replaced by T.
Protein change: p.Arg53Ter; replaces arginine 53 with a stop codon.
Molecular consequence: nonsense.
Genome position (GRCh38, 1-based): chr11:77,085,043, C>T. VCF-style: chr11-77085043-C-T. GRCh37 (hg19) VCF-style: chr11-76796089-C-T.
Other names: short protein forms R53*.
Identifiers: ClinVar variation 1395718 (VCV001395718.6), dbSNP rs782197384, ClinGen allele CA6196136.

ClinVar aggregate classification (germline): Uncertain significance (1 of 4 stars; one submission).

Allele frequency attached by ClinVar (database versions not stated): gnomAD 0.00001 and 0.00002; TOPMed 0.00001; ExAC 0.00005; gnomAD exomes 0.00005.
gnomAD v4.1: 17 of 1,613,022 alleles (0.0011%); highest among the groups gnomAD compares: East Asian, 0.018%; no homozygotes.

Submission:

Labcorp Genetics (formerly Invitae), Labcorp
Classification: Uncertain significance. Last evaluated: 2025-01-24. Review status: criteria provided, single submitter. Criteria: Invitae Variant Classification Sherloc (09022015). Collection method: clinical testing. Allele origin: germline.
Comment: This sequence change creates a premature translational stop signal (p.Arg53*) in the CAPN5 gene. It is expected to result in an absent or disrupted protein product. However, the current clinical and genetic evidence is not sufficient to establish whether loss-of-function variants in CAPN5 cause disease. This variant is present in population databases (rs782197384, gnomAD 0.06%). This variant has not been reported in the literature in individuals affected with CAPN5-related conditions. ClinVar contains an entry for this variant (Variation ID: 1395718). Experimental studies and prediction algorithms are not available or were not evaluated, and the functional significance of this variant is currently unknown. In summary, the available evidence is currently insufficient to determine the role of this variant in disease. Therefore, it has been classified as a Variant of Uncertain Significance.